The following is an entry in ClinVar:

NM_006767.4(LZTR1):c.320+12C>T

Gene: LZTR1 (leucine zipper like post translational regulator 1; plus strand). Cytogenetic location: 22q11.21.
Variant type: single nucleotide variant.
Coding change: c.320+12C>T on transcript NM_006767.4 (MANE Select); 12 bases into the intron after coding-DNA position 320, C replaced by T.
Molecular consequence: intron variant.
Genome position (GRCh38, 1-based): chr22:20,985,909, C>T. VCF-style: chr22-20985909-C-T. GRCh37 (hg19) VCF-style: chr22-21340198-C-T.
Identifiers: ClinVar variation 516236 (VCV000516236.14), dbSNP rs73879461, ClinGen allele CA10118352.

ClinVar aggregate classification (germline): Benign. Review status: criteria provided, multiple submitters, no conflicts (2 of 4 stars). 5 submissions from 5 submitters: Benign (3). 2 of the submissions do not count toward it. Last evaluated 2026-02-02.

Allele frequency attached by ClinVar (database versions not stated): gnomAD exomes 0.00123; ExAC 0.00148; 1000 Genomes Project 0.00479; gnomAD 0.00498 and 0.00538; 1000 Genomes Project 30x 0.00547; TOPMed 0.00566; ESP Exome Variant Server 0.00600.
gnomAD v4.1: 1,440 of 1,613,840 alleles (0.089%); highest among the groups gnomAD compares: African/African-American, 1.7%; 9 homozygotes.

Submissions (5):

Labcorp Genetics (formerly Invitae), Labcorp
Classification: Benign. Last evaluated: 2026-02-02. Review status: criteria provided, single submitter. Criteria: Invitae Variant Classification Sherloc (09022015). Collection method: clinical testing. Allele origin: germline.

Women's Health and Genetics/Laboratory Corporation of America, LabCorp
Classification: Benign. Last evaluated: 2020-08-24. Review status: criteria provided, single submitter. Criteria: LabCorp Variant Classification Summary - May 2015. Collection method: clinical testing. Allele origin: germline.
Comment: Variant summary: LZTR1 c.320+12C>T alters a non-conserved nucleotide located close to a canonical splice site and therefore could affect mRNA splicing, leading to a significantly altered protein sequence. 3/4 computational tools predict no significant impact on normal splicing. However, these predictions have yet to be confirmed by functional studies. The variant allele was found at a frequency of 0.0012 in 251086 control chromosomes in the gnomAD database, including 5 homozygotes. The observed variant frequency is approximately 247-fold the estimated maximal expected allele frequency for a pathogenic variant in LZTR1 causing Noonan Syndrome phenotype (5e-06), strongly suggesting that the variant is benign. To our knowledge, no occurrence of c.320+12C>T in individuals affected with Noonan Syndrome and no experimental evidence demonstrating its impact on protein function have been reported in the literature. One clinical diagnostic laboratory has submitted clinical-significance assessments for this variant to ClinVar after 2014 without evidence for independent evaluation and cited the variant as benign. Based on the evidence outlined above, the variant was classified as benign.

GeneDx
Classification: Benign. Last evaluated: 2017-05-08. Review status: criteria provided, single submitter. Criteria: GeneDx Variant Classification (06012015). Collection method: clinical testing. Allele origin: germline. Affected: yes.
Comment: This variant is considered likely benign or benign based on one or more of the following criteria: it is a conservative change, it occurs at a poorly conserved position in the protein, it is predicted to be benign by multiple in silico algorithms, and/or has population frequency not consistent with disease.

Genome Diagnostics Laboratory, Amsterdam University Medical Center
Classification: Benign. Review status: no assertion criteria provided. Collection method: clinical testing. Allele origin: germline. Affected: yes. Study: VKGL Data-share Consensus. Not counted in ClinVar's aggregate classification.

Joint Genome Diagnostic Labs from Nijmegen and Maastricht, Radboudumc and MUMC+
Classification: Benign. Review status: no assertion criteria provided. Collection method: clinical testing. Allele origin: germline. Affected: yes. Study: VKGL Data-share Consensus. Not counted in ClinVar's aggregate classification.